The following is an entry in ClinVar:

ClinVar aggregate classification (germline): Benign/Likely benign. Review status: criteria provided, multiple submitters, no conflicts (2 of 4 stars). 10 submissions from 9 submitters: Benign (1); Likely benign (4). 5 of the submissions do not count toward it. Last evaluated 2026-09-01.

Conditions:
SPG11-related disorder. Also called: SPG11-related condition.
Hereditary spastic paraplegia 11. Also called: Spastic Paraplegia 11; Spastic paraplegia, mental retardation and thin corpus callosum; Autosomal recessive hereditary spastic paraplegia, mental impairment, and thin corpus callosum; SPASTIC PARAPLEGIA, AUTOSOMAL RECESSIVE, COMPLICATED, WITH THIN CORPUS CALLOSUM; SPASTIC PARAPLEGIA, AUTOSOMAL RECESSIVE, WITH MENTAL IMPAIRMENT AND THIN CORPUS CALLOSUM; Nakamura Osame syndrome. Identifiers: Orphanet 2822, MedGen C1858479, MONDO:0011445, OMIM 604360.

Submissions (10):

CeGaT Center for Human Genetics Tuebingen
Classification: Likely benign. Last evaluated: 2026-09-01. Review status: criteria provided, single submitter. Criteria: CeGaT Center For Human Genetics Tuebingen Variant Classification Criteria Version 2. Collection method: clinical testing. Allele origin: germline. Affected: yes. Observed: 60 variant alleles.
Comment: SPG11: BS2

Labcorp Genetics (formerly Invitae), Labcorp
Classification: Benign for Hereditary spastic paraplegia 11. Last evaluated: 2026-02-02. Review status: criteria provided, single submitter. Criteria: Invitae Variant Classification Sherloc (09022015). Collection method: clinical testing. Allele origin: germline.

Blueprint Genetics
Classification: Likely benign. Last evaluated: 2024-11-26. Review status: criteria provided, single submitter. Criteria: ACMG Guidelines, 2015. Collection method: clinical testing. Allele origin: germline.

GeneDx
Classification: Likely benign. Last evaluated: 2017-12-12. Review status: criteria provided, single submitter. Criteria: GeneDx Variant Classification (06012015). Collection method: clinical testing. Allele origin: germline. Affected: yes.
Comment: This variant is considered likely benign or benign based on one or more of the following criteria: it is a conservative change, it occurs at a poorly conserved position in the protein, it is predicted to be benign by multiple in silico algorithms, and/or has population frequency not consistent with disease.

Genome Diagnostics Laboratory, University Medical Center Utrecht
Classification: Likely benign for Hereditary spastic paraplegia 11. Last evaluated: 2015-03-03. Review status: criteria provided, single submitter. Criteria: ACGS Guidelines, 2013. Collection method: clinical testing. Allele origin: germline. Affected: yes. Study: VKGL Data-share Consensus.

PreventionGenetics, part of Exact Sciences
Classification: Likely benign for SPG11-related condition. Last evaluated: 2019-03-04. Review status: no assertion criteria provided. Collection method: clinical testing. Allele origin: germline. Not counted in ClinVar's aggregate classification.
Comment: This variant is classified as likely benign based on ACMG/AMP sequence variant interpretation guidelines (Richards et al. 2015 PMID: 25741868, with internal and published modifications).

Genome Diagnostics Laboratory, Amsterdam University Medical Center
Classification: Likely benign for Hereditary spastic paraplegia 11. Last evaluated: 2016-09-21. Review status: no assertion criteria provided. Criteria: ACGS Guidelines, 2013. Collection method: clinical testing. Allele origin: germline. Affected: yes. Study: VKGL Data-share Consensus. Not counted in ClinVar's aggregate classification.

Clinical Genetics, Academic Medical Center
Classification: Likely benign. Review status: no assertion criteria provided. Collection method: clinical testing. Allele origin: germline. Affected: yes. Study: VKGL Data-share Consensus. Not counted in ClinVar's aggregate classification.

Diagnostic Laboratory, Department of Genetics, University Medical Center Groningen
Classification: Likely benign. Review status: no assertion criteria provided. Collection method: clinical testing. Allele origin: germline. Affected: yes. Study: VKGL Data-share Consensus. Not counted in ClinVar's aggregate classification.

Genome Diagnostics Laboratory, Amsterdam University Medical Center
Classification: Benign. Review status: no assertion criteria provided. Collection method: clinical testing. Allele origin: germline. Affected: yes. Study: VKGL Data-share Consensus. Not counted in ClinVar's aggregate classification.

NM_025137.4(SPG11):c.6477+13del

Gene: SPG11 (SPG11 vesicle trafficking associated, spatacsin; minus strand). Cytogenetic location: 15q21.1.
Variant type: Deletion.
Coding change: c.6477+13del on transcript NM_025137.4 (MANE Select); 13 bases into the intron after coding-DNA position 6477, one base deleted (C; older notation c.6477+13delC).
Molecular consequence: intron variant.
Genome position (GRCh38, 1-based): chr15:44,570,512, G deleted on the plus strand (C on the coding strand, the reverse complement: SPG11 is on the minus strand); the first of 5 consecutive G bases (chr15:44,570,512-44,570,516); deleting any one gives the same sequence. VCF-style (leftmost placement, unchanged base first): chr15-44570511-AG-A. GRCh37 (hg19) VCF-style: chr15-44862709-AG-A.
Other names: c.6138+13del (NM_001160227.2); c.6477+13delC (NM_025137.3).
Identifiers: ClinVar variation 316080 (VCV000316080.53), dbSNP rs574960359, ClinGen allele CA7534121.